The following is an entry in ClinVar:

NM_000487.6(ARSA):c.433C>G (p.Arg145Gly)

Gene: ARSA (arylsulfatase A; minus strand). Cytogenetic location: 22q13.33.
Variant type: single nucleotide variant.
Coding change: c.433C>G on transcript NM_000487.6 (MANE Select); coding-DNA position 433, C replaced by G.
Protein change: p.Arg145Gly; replaces arginine 145 with glycine.
Molecular consequence: missense variant.
Genome position (GRCh38, 1-based): chr22:50,627,198, G>C on the plus strand (C>G on the coding strand, the complement: ARSA is on the minus strand). VCF-style: chr22-50627198-G-C. GRCh37 (hg19) VCF-style: chr22-51065626-G-C.
Other names: c.433C>G, p.Arg145Gly (NM_001085425.3, NM_001085426.3, NM_001085427.3); c.175C>G, p.Arg59Gly (NM_001085428.3, NM_001362782.2); short protein forms R145G, R59G.
Identifiers: ClinVar variation 68133 (VCV000068133.3), dbSNP rs199476373, ClinGen allele CA219022.

ClinVar aggregate classification (germline): Pathogenic/Likely pathogenic. Review status: criteria provided, multiple submitters, no conflicts (2 of 4 stars). 3 submissions from 3 submitters: Pathogenic (1); Likely pathogenic (1). 1 of the submissions does not count toward it. Last evaluated 2025-05-15.

Conditions:
Metachromatic leukodystrophy (MLD). Also called: ARSA DEFICIENCY; CEREBROSIDE SULFATASE DEFICIENCY; METACHROMATIC LEUKOENCEPHALOPATHY; Cerebral sclerosis diffuse metachromatic form; Arylsulfatase A Deficiency; SULFATIDE LIPIDOSIS. Identifiers: Orphanet 512, MedGen C0023522, MONDO:0018868, OMIM 250100.

gnomAD v4.1: 1 of 1,612,874 alleles (0.000062%); no homozygotes.

Submissions (3):

Women's Health and Genetics/Laboratory Corporation of America, LabCorp
Classification: Pathogenic for Metachromatic leukodystrophy. Last evaluated: 2025-05-15. Review status: criteria provided, single submitter. Criteria: LabCorp Variant Classification Summary - May 2015. Collection method: clinical testing. Allele origin: germline.
Comment: Variant summary: ARSA c.433C>G (p.Arg145Gly) results in a non-conservative amino acid change in the encoded protein sequence. Algorithms developed to predict the effect of missense changes on protein structure and function all suggest that this variant is likely to be disruptive. The variant was absent in 240740 control chromosomes. c.433C>G has been observed in the confirmed compound heterozygous or homozygou state in multiple individual(s) affected with Metachromatic Leukodystrophy (example, Arbour_2000, Nair_2018), including at least 1 family where it segregated with disease. These data indicate that the variant is likely to be associated with disease. At least one publication reports experimental evidence evaluating an impact on protein function. The most pronounced variant effect results in <10% of normal activity in patient leukocytes (example, Arbour_2000). The following publications have been ascertained in the context of this evaluation (PMID: 11020646, 30293248). ClinVar contains an entry for this variant (Variation ID: 68133). Based on the evidence outlined above, the variant was classified as pathogenic.

Labcorp Genetics (formerly Invitae), Labcorp
Classification: Likely pathogenic for Metachromatic leukodystrophy. Last evaluated: 2019-10-01. Review status: criteria provided, single submitter. Criteria: Invitae Variant Classification Sherloc (09022015). Collection method: clinical testing. Allele origin: germline.
Comment: This sequence change replaces arginine with glycine at codon 145 of the ARSA protein (p.Arg145Gly). The arginine residue is moderately conserved and there is a moderate physicochemical difference between arginine and glycine. This variant is not present in population databases (ExAC no frequency). This variant has been observed to segregate with metachromatic leukodystrophy in a family (PMID: 11020646). This variant is also known as Arg143Gly. ClinVar contains an entry for this variant (Variation ID: 68133). Algorithms developed to predict the effect of missense changes on protein structure and function (SIFT, PolyPhen-2, Align-GVGD) all suggest that this variant is likely to be tolerated, but these predictions have not been confirmed by published functional studies and their clinical significance is uncertain. In summary, the currently available evidence indicates that the variant is pathogenic, but additional data are needed to prove that conclusively. Therefore, this variant has been classified as Likely Pathogenic.

UniProtKB/Swiss-Prot
No classification provided. Review status: no classification provided. Collection method: not provided. Allele origin: not provided. Not counted in ClinVar's aggregate classification.

Literature cited by the submitters: PubMed 11020646 (cited by Women's Health and Genetics/Laboratory Corporation of America, LabCorp and Labcorp Genetics (formerly Invitae), Labcorp); PubMed 30293248 (cited by Women's Health and Genetics/Laboratory Corporation of America, LabCorp).